The following is an entry in ClinVar:

NM_001370298.3(FGD4):c.1511C>T (p.Pro504Leu)

Gene: FGD4 (FYVE, RhoGEF and PH domain containing 4; plus strand). Cytogenetic location: 12p11.21.
Variant type: single nucleotide variant.
Coding change: c.1511C>T on transcript NM_001370298.3 (MANE Select); coding-DNA position 1511, C replaced by T.
Protein change: p.Pro504Leu; replaces proline 504 with leucine.
Molecular consequence: missense variant.
Genome position (GRCh38, 1-based): chr12:32,608,063, C>T. VCF-style: chr12-32608063-C-T. GRCh37 (hg19) VCF-style: chr12-32760997-C-T.
Other names: c.1355C>T, p.Pro452Leu (NM_001304481.2); c.356C>T, p.Pro119Leu (NM_001304483.2); c.68C>T, p.Pro23Leu (NM_001304484.2); c.821C>T, p.Pro274Leu (NM_001330373.2, NM_001330374.2, NM_001384130.1); c.548C>T, p.Pro183Leu (NM_001370297.1); c.1511C>T, p.Pro504Leu (NM_001384126.1); c.1100C>T, p.Pro367Leu (NM_001384127.1, NM_001384128.1, NM_001385118.1 and 1 more transcripts); short protein forms P23L, P274L, P183L, P367L, P452L, P504L, P119L.
Identifiers: ClinVar variation 4698723 (VCV004698723.1).

ClinVar aggregate classification (germline): Uncertain significance (1 of 4 stars; one submission).

Conditions:
Charcot-Marie-Tooth disease type 4. Also called: Charcot-Marie-Tooth disease, type IV; Charcot-Marie-Tooth, Type 4. Identifiers: Orphanet 64749, MedGen C4082197, MONDO:0018995.

Submission:

Labcorp Genetics (formerly Invitae), Labcorp
Classification: Uncertain significance for Charcot-Marie-Tooth disease type 4. Last evaluated: 2025-09-06. Review status: criteria provided, single submitter. Criteria: Invitae Variant Classification Sherloc (09022015). Collection method: clinical testing. Allele origin: germline.
Comment: This sequence change replaces proline, which is neutral and non-polar, with leucine, which is neutral and non-polar, at codon 367 of the FGD4 protein (p.Pro367Leu). This variant is not present in population databases (gnomAD no frequency). This variant has not been reported in the literature in individuals affected with FGD4-related conditions. Invitae Evidence Modeling of protein sequence and biophysical properties (such as structural, functional, and spatial information, amino acid conservation, physicochemical variation, residue mobility, and thermodynamic stability) indicates that this missense variant is expected to disrupt FGD4 protein function with a positive predictive value of 80%. In summary, the available evidence is currently insufficient to determine the role of this variant in disease. Therefore, it has been classified as a Variant of Uncertain Significance.